The following is an entry in ClinVar:

ClinVar aggregate classification (germline): Conflicting classifications of pathogenicity. Review status: criteria provided, conflicting classifications (1 of 4 stars). 5 submissions from 5 submitters: Uncertain significance (1); Benign (1); Likely benign (3). Last evaluated 2026-01-27.

Conditions:
TSC2-related disorder. Also called: TSC2-related condition; TSC2-Related Disorders.
Hereditary cancer-predisposing syndrome. Also called: Neoplastic Syndromes, Hereditary; Tumor predisposition; Hereditary Cancer Syndrome; Hereditary neoplastic syndrome. Identifiers: Orphanet 140162, MedGen C0027672, MeSH D009386, MONDO:0015356.
Tuberous sclerosis syndrome (TSC). Also called: Tuberous Sclerosis Complex; Tuberous sclerosis. Identifiers: Orphanet 805, MedGen C0041341, MONDO:0001734.
Tuberous sclerosis 2 (TSC2). Identifiers: Orphanet 805, MedGen C1860707, MONDO:0013199, OMIM 613254.

Allele frequency attached by ClinVar (database versions not stated): gnomAD exomes 0.00001 and 0.00002; TOPMed 0.00001; ExAC 0.00003; ESP Exome Variant Server 0.00008.
gnomAD v4.1: 12 of 1,612,914 alleles (0.00074%); highest among the groups gnomAD compares: South Asian, 0.0022%; no homozygotes.

Submissions (5):

Labcorp Genetics (formerly Invitae), Labcorp
Classification: Benign for Tuberous sclerosis 2. Last evaluated: 2026-01-27. Review status: criteria provided, single submitter. Criteria: Invitae Variant Classification Sherloc (09022015). Collection method: clinical testing. Allele origin: germline.

PreventionGenetics, part of Exact Sciences
Classification: Likely benign for TSC2-related condition. Last evaluated: 2025-07-29. Review status: criteria provided, single submitter. Criteria: ACMG Guidelines, 2015. Collection method: clinical testing. Allele origin: germline.
Comment: This variant is classified as likely benign based on ACMG/AMP sequence variant interpretation guidelines (Richards et al. 2015 PMID: 25741868, with internal and published modifications).

Ambry Genetics
Classification: Likely benign for Hereditary cancer-predisposing syndrome. Last evaluated: 2024-10-11. Review status: criteria provided, single submitter. Criteria: Ambry Variant Classification Scheme 2023. Collection method: clinical testing. Allele origin: germline.

Myriad Genetics, Inc.
Classification: Likely benign for Tuberous sclerosis 2. Last evaluated: 2024-08-16. Review status: criteria provided, single submitter. Criteria: Myriad Autosomal Dominant, Autosomal Recessive and X-Linked Classification Criteria (2023). Collection method: clinical testing. Allele origin: unknown.
Comment: This variant is considered likely benign. This variant has been observed at a population frequency that is significantly greater than expected given the associated disease prevalence and penetrance.

All of Us Research Program, National Institutes of Health
Classification: Uncertain significance for Tuberous sclerosis syndrome. Last evaluated: 2024-07-29. Review status: criteria provided, single submitter. Criteria: ACMG Guidelines, 2015. Collection method: clinical testing. Allele origin: germline. Inheritance: Autosomal dominant inheritance. Observed: 1 variant allele, 1 heterozygote.
Comment: This missense variant replaces arginine with glutamine at codon 1078 of the TSC2 protein. Computational prediction is inconclusive regarding the impact of this variant on protein structure and function (internally defined REVEL score threshold 0.5 < inconclusive < 0.7, PMID: 27666373). To our knowledge, functional studies have not been reported for this variant. This variant has not been reported in individuals affected with TSC2-related disorders in the literature. This variant has been identified in 5/250156 chromosomes in the general population by the Genome Aggregation Database (gnomAD). The available evidence is insufficient to determine the role of this variant in disease conclusively. Therefore, this variant is classified as a Variant of Uncertain Significance.

This study involves interpretation of variants in research participants for the purpose of population health screening. Participant phenotype was not available at the time of variant classification. Additional details can be found in publication PMID: 35346344, PMCID: PMC8962531

NM_000548.5(TSC2):c.3233G>A (p.Arg1078Gln)

Gene: TSC2 (TSC complex subunit 2; plus strand). Cytogenetic location: 16p13.3.
Variant type: single nucleotide variant.
Coding change: c.3233G>A on transcript NM_000548.5 (MANE Select); coding-DNA position 3233, G replaced by A.
Protein change: p.Arg1078Gln; replaces arginine 1078 with glutamine.
Molecular consequence: missense variant.
Genome position (GRCh38, 1-based): chr16:2,079,377, G>A. VCF-style: chr16-2079377-G-A. GRCh37 (hg19) VCF-style: chr16-2129378-G-A.
Other names: c.3233G>A (NM_000548.4); c.3101G>A, p.Arg1034Gln (NM_001077183.3, NM_001370404.1); c.3233G>A, p.Arg1078Gln (NM_001114382.3); c.2993G>A, p.Arg998Gln (NM_001318827.2); c.2957G>A, p.Arg986Gln (NM_001318829.2); c.2501G>A, p.Arg834Gln (NM_001318831.2); c.3134G>A, p.Arg1045Gln (NM_001318832.2); c.3104G>A, p.Arg1035Gln (NM_001363528.2, NM_001370405.1, NM_021055.3); short protein forms R1078Q, R1034Q, R834Q, R1045Q, R1035Q, R986Q, R998Q.
Identifiers: ClinVar variation 406055 (VCV000406055.18), dbSNP rs368095502, ClinGen allele CA044900.